The following is an entry in ClinVar:

NM_005245.4(FAT1):c.10309G>A (p.Ala3437Thr)

Gene: FAT1 (FAT atypical cadherin 1; minus strand). Cytogenetic location: 4q35.2.
Variant type: single nucleotide variant.
Coding change: c.10309G>A on transcript NM_005245.4 (MANE Select); coding-DNA position 10309, G replaced by A.
Protein change: p.Ala3437Thr; replaces alanine 3437 with threonine.
Molecular consequence: missense variant.
Genome position (GRCh38, 1-based): chr4:186,606,111, C>T on the plus strand (G>A on the coding strand, the complement: FAT1 is on the minus strand). VCF-style: chr4-186606111-C-T. GRCh37 (hg19) VCF-style: chr4-187527265-C-T.
Other names: p.Ala3437Thr; short protein forms A3437T.
Identifiers: ClinVar variation 2075916 (VCV002075916.5), dbSNP rs373448625, ClinGen allele CA3165401.

ClinVar aggregate classification (germline): Uncertain significance. Review status: criteria provided, multiple submitters, no conflicts (2 of 4 stars). 3 submissions from 3 submitters: Uncertain significance (3). Last evaluated 2025-12-16.

Conditions:
Inborn genetic diseases. Identifiers: MedGen C0950123, MeSH D030342.

Allele frequency attached by ClinVar (database versions not stated): gnomAD 0.00013; TOPMed 0.00017; ExAC 0.00020; ESP Exome Variant Server 0.00024; gnomAD exomes 0.00024.
gnomAD v4.1: 376 of 1,613,164 alleles (0.023%); highest among the groups gnomAD compares: Non-Finnish European, 0.029%; no homozygotes.

Submissions (3):

Labcorp Genetics (formerly Invitae), Labcorp
Classification: Uncertain significance. Last evaluated: 2025-12-16. Review status: criteria provided, single submitter. Criteria: Invitae Variant Classification Sherloc (09022015). Collection method: clinical testing. Allele origin: germline.
Comment: This sequence change replaces alanine, which is neutral and non-polar, with threonine, which is neutral and polar, at codon 3437 of the FAT1 protein (p.Ala3437Thr). This variant is present in population databases (rs373448625, gnomAD 0.03%). This variant has not been reported in the literature in individuals affected with FAT1-related conditions. ClinVar contains an entry for this variant (Variation ID: 2075916). An algorithm developed to predict the effect of missense changes on protein structure and function (PolyPhen-2) suggests that this variant is likely to be tolerated. In summary, the available evidence is currently insufficient to determine the role of this variant in disease. Therefore, it has been classified as a Variant of Uncertain Significance.

Mayo Clinic Laboratories, Mayo Clinic
Classification: Uncertain significance. Last evaluated: 2025-11-07. Review status: criteria provided, single submitter. Criteria: ACMG Guidelines, 2015. Collection method: clinical testing. Allele origin: germline. Observed: 1 variant allele.
Comment: BP4_moderate

Ambry Genetics
Classification: Uncertain significance for Inborn genetic diseases. Last evaluated: 2024-08-14. Review status: criteria provided, single submitter. Criteria: Ambry Variant Classification Scheme 2023. Collection method: clinical testing. Allele origin: germline.